The following is an entry in ClinVar:

ClinVar aggregate classification (germline): Conflicting classifications of pathogenicity. Review status: criteria provided, conflicting classifications (1 of 4 stars). 3 submissions from 3 submitters: Uncertain significance (2); Likely benign (1). Last evaluated 2026-03-31.

Conditions:
Cardiovascular phenotype. Identifiers: MedGen CN230736.

gnomAD v4.1: 1 of 1,614,040 alleles (0.000062%); highest among the groups gnomAD compares: African/African-American, 0.0013%; no homozygotes.

Submissions (3):

Ambry Genetics
Classification: Likely benign for Cardiovascular phenotype. Last evaluated: 2026-03-31. Review status: criteria provided, single submitter. Criteria: Ambry Variant Classification Scheme 2023. Collection method: clinical testing. Allele origin: germline.

Labcorp Genetics (formerly Invitae), Labcorp
Classification: Uncertain significance. Last evaluated: 2022-11-30. Review status: criteria provided, single submitter. Criteria: Invitae Variant Classification Sherloc (09022015). Collection method: clinical testing. Allele origin: germline.
Comment: This variant is not present in population databases (gnomAD no frequency). In summary, the available evidence is currently insufficient to determine the role of this variant in disease. Therefore, it has been classified as a Variant of Uncertain Significance. Algorithms developed to predict the effect of missense changes on protein structure and function output the following: SIFT: "Tolerated"; PolyPhen-2: "Benign"; Align-GVGD: "Class C0". The asparagine amino acid residue is found in multiple mammalian species, which suggests that this missense change does not adversely affect protein function. ClinVar contains an entry for this variant (Variation ID: 1398828). This variant has not been reported in the literature in individuals affected with ALPK3-related conditions. This sequence change replaces serine, which is neutral and polar, with asparagine, which is neutral and polar, at codon 550 of the ALPK3 protein (p.Ser550Asn).

GeneDx
Classification: Uncertain significance. Last evaluated: 2022-06-23. Review status: criteria provided, single submitter. Criteria: GeneDx Variant Classification Process June 2021. Collection method: clinical testing. Allele origin: germline. Affected: yes.
Comment: Not observed at significant frequency in large population cohorts (gnomAD); In silico analysis supports that this missense variant does not alter protein structure/function; Has not been previously published as pathogenic or benign to our knowledge

NM_020778.5(ALPK3):c.1043G>A (p.Ser348Asn)

Gene: ALPK3 (alpha kinase 3; plus strand). Cytogenetic location: 15q25.3.
Variant type: single nucleotide variant.
Coding change: c.1043G>A on transcript NM_020778.5 (MANE Select); coding-DNA position 1043, G replaced by A.
Protein change: p.Ser348Asn; replaces serine 348 with asparagine.
Molecular consequence: missense variant.
Genome position (GRCh38, 1-based): chr15:84,840,322, G>A. VCF-style: chr15-84840322-G-A. GRCh37 (hg19) VCF-style: chr15-85383553-G-A.
Other names: short protein forms S348N.
Identifiers: ClinVar variation 1398828 (VCV001398828.10), dbSNP rs2141556874, ClinGen allele CA393374215.